The following is an entry in ClinVar:

NM_152703.5(SAMD9L):c.1760A>G (p.Tyr587Cys)

Gene: SAMD9L (sterile alpha motif domain containing 9 like; minus strand). Cytogenetic location: 7q21.2.
Variant type: single nucleotide variant.
Coding change: c.1760A>G on transcript NM_152703.5 (MANE Select); coding-DNA position 1760, A replaced by G.
Protein change: p.Tyr587Cys; replaces tyrosine 587 with cysteine.
Molecular consequence: missense variant.
Genome position (GRCh38, 1-based): chr7:93,134,212, T>C on the plus strand (A>G on the coding strand, the complement: SAMD9L is on the minus strand). VCF-style: chr7-93134212-T-C. GRCh37 (hg19) VCF-style: chr7-92763525-T-C.
Other names: c.1760A>G, p.Tyr587Cys (NM_001303496.3, NM_001303497.3, NM_001303498.3 and 5 more transcripts); c.1760A>G (NM_152703.3, NM_152703.2); short protein forms Y587C.
Identifiers: ClinVar variation 2131642 (VCV002131642.6), dbSNP rs371023770, ClinGen allele CA161962193.

ClinVar aggregate classification (germline): Uncertain significance. Review status: criteria provided, multiple submitters, no conflicts (2 of 4 stars). 3 submissions from 3 submitters: Uncertain significance (3). Last evaluated 2025-05-12.

Conditions:
Inborn genetic diseases. Identifiers: MedGen C0950123, MeSH D030342.

Allele frequency attached by ClinVar (database versions not stated): TOPMed below 0.00001; ESP Exome Variant Server 0.00008; gnomAD 0.00001.
gnomAD v4.1: 1 of 1,613,046 alleles (0.000062%); highest among the groups gnomAD compares: Non-Finnish European, 0.000085%; no homozygotes.

Submissions (3):

Labcorp Genetics (formerly Invitae), Labcorp
Classification: Uncertain significance. Last evaluated: 2025-05-12. Review status: criteria provided, single submitter. Criteria: Invitae Variant Classification Sherloc (09022015). Collection method: clinical testing. Allele origin: germline.
Comment: This sequence change replaces tyrosine, which is neutral and polar, with cysteine, which is neutral and slightly polar, at codon 587 of the SAMD9L protein (p.Tyr587Cys). This variant is not present in population databases (gnomAD no frequency). This variant has not been reported in the literature in individuals affected with SAMD9L-related conditions. ClinVar contains an entry for this variant (Variation ID: 2131642). Invitae Evidence Modeling of protein sequence and biophysical properties (such as structural, functional, and spatial information, amino acid conservation, physicochemical variation, residue mobility, and thermodynamic stability) indicates that this missense variant is not expected to disrupt SAMD9L protein function with a negative predictive value of 80%. In summary, the available evidence is currently insufficient to determine the role of this variant in disease. Therefore, it has been classified as a Variant of Uncertain Significance.

Ambry Genetics
Classification: Uncertain significance for Inborn genetic diseases. Last evaluated: 2025-03-11. Review status: criteria provided, single submitter. Criteria: Ambry Variant Classification Scheme 2023. Collection method: clinical testing. Allele origin: germline.
Comment: The p.Y587C variant (also known as c.1760A>G), located in coding exon 1 of the SAMD9L gene, results from an A to G substitution at nucleotide position 1760. The tyrosine at codon 587 is replaced by cysteine, an amino acid with highly dissimilar properties. This amino acid position is conserved. In addition, this alteration is predicted to be tolerated by in silico analysis. Based on the available evidence, the clinical significance of this variant remains unclear.

GeneDx
Classification: Uncertain significance. Last evaluated: 2024-01-28. Review status: criteria provided, single submitter. Criteria: GeneDx Variant Classification Process June 2021. Collection method: clinical testing. Allele origin: germline. Affected: yes.
Comment: Not observed at significant frequency in large population cohorts (gnomAD); In silico analysis supports that this missense variant does not alter protein structure/function; Has not been previously published as pathogenic or benign to our knowledge; This variant is associated with the following publications: (PMID: 28545555)